The following is an entry in ClinVar:

ClinVar aggregate classification (germline): Uncertain significance (1 of 4 stars; one submission).

gnomAD v4.1: 1 of 1,613,842 alleles (0.000062%); highest among the groups gnomAD compares: Non-Finnish European, 0.000085%; no homozygotes.

Submission:

Women's Health and Genetics/Laboratory Corporation of America, LabCorp
Classification: Uncertain significance. Last evaluated: 2024-09-30. Review status: criteria provided, single submitter. Criteria: LabCorp Variant Classification Summary - May 2015. Collection method: clinical testing. Allele origin: germline.
Comment: Variant summary: TLL1 c.1830C>A (p.Asp610Glu) results in a conservative amino acid change located in the EGF-like domain (IPR000742) of the encoded protein sequence. Four of five in-silico tools predict a damaging effect of the variant on protein function. The variant was absent in 250916 control chromosomes. The available data on variant occurrences in the general population are insufficient to allow any conclusion about variant significance. To our knowledge, no occurrence of c.1830C>A in individuals affected with Atrial Septal Defect 6 and no experimental evidence demonstrating its impact on protein function have been reported. No submitters have cited clinical-significance assessments for this variant to ClinVar. Based on the evidence outlined above, the variant was classified as uncertain significance.

NM_012464.5(TLL1):c.1830C>A (p.Asp610Glu)

Gene: TLL1 (tolloid like 1; plus strand). Cytogenetic location: 4q32.3.
Variant type: single nucleotide variant.
Coding change: c.1830C>A on transcript NM_012464.5 (MANE Select); coding-DNA position 1830, C replaced by A.
Protein change: p.Asp610Glu; replaces aspartic acid 610 with glutamic acid.
Molecular consequence: missense variant.
Genome position (GRCh38, 1-based): chr4:166,057,293, C>A. VCF-style: chr4-166057293-C-A. GRCh37 (hg19) VCF-style: chr4-166978445-C-A.
Other names: short protein forms D610E.
Identifiers: ClinVar variation 3374945 (VCV003374945.1).